The following is an entry in ClinVar:

NM_001130987.2(DYSF):c.1476G>C (p.Arg492Ser)

Gene: DYSF (dysferlin; plus strand). Cytogenetic location: 2p13.2.
Variant type: single nucleotide variant.
Coding change: c.1476G>C on transcript NM_001130987.2 (MANE Select); coding-DNA position 1476, G replaced by C.
Protein change: p.Arg492Ser; replaces arginine 492 with serine.
Molecular consequence: missense variant.
Genome position (GRCh38, 1-based): chr2:71,535,294, G>C. VCF-style: chr2-71535294-G-C. GRCh37 (hg19) VCF-style: chr2-71762424-G-C.
Other names: c.1383G>C, p.Arg461Ser (NM_001130455.2, NM_001130983.2, NM_001130984.2 and 1 more transcripts); c.1380G>C, p.Arg460Ser (NM_001130976.2, NM_001130977.2, NM_001130978.2 and 1 more transcripts); c.1473G>C, p.Arg491Ser (NM_001130979.2, NM_001130980.2, NM_001130981.2); c.1476G>C, p.Arg492Ser (NM_001130982.2, NM_001130985.2); short protein forms R460S, R492S, R491S, R461S.
Identifiers: ClinVar variation 1931515 (VCV001931515.2), dbSNP rs768604446, ClinGen allele CA49779170.

ClinVar aggregate classification (germline): Uncertain significance (1 of 4 stars; one submission).

Conditions:
Neuromuscular disease caused by qualitative or quantitative defects of dysferlin. Also called: Qualitative or quantitative defects of dysferlin; Dysferlinopathy. Identifiers: Orphanet 207073, MedGen C2931687, MONDO:0016145.

Allele frequency attached by ClinVar (database versions not stated): TOPMed 0.00001.
gnomAD v4.1: 3 of 1,614,192 alleles (0.00019%); highest among the groups gnomAD compares: Admixed American, 0.005%; no homozygotes.

Submission:

Labcorp Genetics (formerly Invitae), Labcorp
Classification: Uncertain significance for Neuromuscular disease caused by qualitative or quantitative defects of dysferlin. Last evaluated: 2022-05-16. Review status: criteria provided, single submitter. Criteria: Invitae Variant Classification Sherloc (09022015). Collection method: clinical testing. Allele origin: germline.
Comment: This sequence change replaces arginine, which is basic and polar, with serine, which is neutral and polar, at codon 460 of the DYSF protein (p.Arg460Ser). This variant is present in population databases (no rsID available, gnomAD 0.003%). This variant has not been reported in the literature in individuals affected with DYSF-related conditions. Advanced modeling of protein sequence and biophysical properties (such as structural, functional, and spatial information, amino acid conservation, physicochemical variation, residue mobility, and thermodynamic stability) performed at Invitae indicates that this missense variant is not expected to disrupt DYSF protein function. Algorithms developed to predict the effect of sequence changes on RNA splicing suggest that this variant may disrupt the consensus splice site. In summary, the available evidence is currently insufficient to determine the role of this variant in disease. Therefore, it has been classified as a Variant of Uncertain Significance.